The following is an entry in ClinVar:

ClinVar aggregate classification (germline): Pathogenic (1 of 4 stars; one submission).

Conditions:
Intellectual developmental disorder, autosomal dominant 29. Also called: SETBP1 Haploinsufficiency Disorder; Intellectual disability, autosomal dominant 29. Identifiers: Orphanet 436151, MedGen C4015141, MONDO:0014482, OMIM 616078.

Submission:

3billion
Classification: Pathogenic for Intellectual developmental disorder, autosomal dominant 29. Last evaluated: 2021-10-02. Review status: criteria provided, single submitter. Criteria: ACMG Guidelines, 2015. Collection method: clinical testing. Allele origin: germline. Affected: yes. Observed: 1 heterozygote.
Comment: Frameshift: predicted to result in a loss or disruption of normal protein function through nonsense-mediated decay (NMD) or protein truncation. Multiple pathogenic variants are reported downstream of the variant (PVS1_VS). The variant was observed as assumed (i.e. paternity and maternity not confirmed) de novoo (3billion dataset, PM6). It is not observed in the gnomAD v2.1.1 dataset (PM2). Therefore, this variant is classified as pathogenic according to the recommendation of ACMG/AMP guideline.

NM_015559.3(SETBP1):c.3731dup (p.Ala1245fs)

Gene: SETBP1 (SET binding protein 1; plus strand). Cytogenetic location: 18q12.3.
Variant type: Duplication.
Coding change: c.3731dup on transcript NM_015559.3 (MANE Select); coding-DNA position 3731, one base duplicated (A; older notation c.3731dupA).
Protein change: p.Ala1245fs; shifts the reading frame from alanine 1245.
Molecular consequence: frameshift variant.
Genome position (GRCh38, 1-based): chr18:44,953,071, A duplicated. VCF-style (leftmost placement, unchanged base first): chr18-44953070-C-CA. GRCh37 (hg19) VCF-style: chr18-42533035-C-CA.
Other names: c.3731dup, p.Ala1245fs (NM_001379141.1, NM_001379142.1); short protein forms A1245fs.
Identifiers: ClinVar variation 1320239 (VCV001320239.1), dbSNP rs2145114965, ClinGen allele CA2573054662.